The following is an entry in ClinVar:

NM_007315.4(STAT1):c.200A>G (p.Gln67Arg)

Gene: STAT1 (signal transducer and activator of transcription 1; minus strand). Cytogenetic location: 2q32.2.
Variant type: single nucleotide variant.
Coding change: c.200A>G on transcript NM_007315.4 (MANE Select); coding-DNA position 200, A replaced by G.
Protein change: p.Gln67Arg; replaces glutamine 67 with arginine.
Molecular consequence: missense variant.
Genome position (GRCh38, 1-based): chr2:191,009,036, T>C on the plus strand (A>G on the coding strand, the complement: STAT1 is on the minus strand). VCF-style: chr2-191009036-T-C. GRCh37 (hg19) VCF-style: chr2-191873762-T-C.
Other names: c.200A>G, p.Gln67Arg (NM_001384880.1, NM_001384882.1, NM_001384883.1 and 7 more transcripts); c.206A>G, p.Gln69Arg (NM_001384881.1, NM_001384884.1); c.236A>G, p.Gln79Arg (NM_001384891.1); short protein forms Q67R, Q69R, Q79R.
Identifiers: ClinVar variation 2120366 (VCV002120366.5), dbSNP rs2470565369, ClinGen allele CA349927998.

ClinVar aggregate classification (germline): Conflicting classifications of pathogenicity. Review status: criteria provided, conflicting classifications (1 of 4 stars). 2 submissions from 2 submitters: Likely pathogenic (1); Uncertain significance (1). Last evaluated 2024-10-18.

Conditions:
STAT1-related disorder. Also called: STAT1-related condition.
Immunodeficiency 31B. Also called: STAT1 DEFICIENCY, AUTOSOMAL RECESSIVE; IMMUNODEFICIENCY 31B, MYCOBACTERIAL AND VIRAL INFECTIONS, AUTOSOMAL RECESSIVE. Identifiers: Orphanet 391311, MedGen C3151088, MONDO:0013427, OMIM 613796.
Mendelian susceptibility to mycobacterial diseases due to partial STAT1 deficiency. Also called: IMMUNODEFICIENCY 31A, MYCOBACTERIOSIS, AUTOSOMAL DOMINANT; STAT1 DEFICIENCY, AUTOSOMAL DOMINANT; Immunodeficiency 31a. Identifiers: Orphanet 319595, MedGen C4013950, MONDO:0013956, OMIM 614892.
Autoimmune enteropathy and endocrinopathy - susceptibility to chronic infections syndrome. Also called: Immunodeficiency 31C, autosomal dominant; Immunodeficiency 31C. Identifiers: Orphanet 391487, MedGen C3279990, MONDO:0013599, OMIM 614162.

Submissions (2):

Blueprint Genetics
Classification: Likely pathogenic for STAT1-related disorders. Last evaluated: 2024-10-18. Review status: criteria provided, single submitter. Criteria: ACMG Guidelines, 2015. Collection method: clinical testing. Allele origin: germline. Affected: yes. Observed: 1 variant allele.

Labcorp Genetics (formerly Invitae), Labcorp
Classification: Uncertain significance for Mendelian susceptibility to mycobacterial diseases due to partial STAT1 deficiency; Immunodeficiency 31B; Autoimmune enteropathy and endocrinopathy - susceptibility to chronic infections syndrome. Last evaluated: 2022-04-01. Review status: criteria provided, single submitter. Criteria: Invitae Variant Classification Sherloc (09022015). Collection method: clinical testing. Allele origin: germline.
Comment: In summary, the available evidence is currently insufficient to determine the role of this variant in disease. Therefore, it has been classified as a Variant of Uncertain Significance. Algorithms developed to predict the effect of missense changes on protein structure and function are either unavailable or do not agree on the potential impact of this missense change (SIFT: "Deleterious"; PolyPhen-2: "Probably Damaging"; Align-GVGD: "Class C0"). This variant has not been reported in the literature in individuals affected with STAT1-related conditions. This variant is not present in population databases (gnomAD no frequency). This sequence change replaces glutamine, which is neutral and polar, with arginine, which is basic and polar, at codon 67 of the STAT1 protein (p.Gln67Arg).